The following is an entry in ClinVar:

ClinVar aggregate classification (germline): Uncertain significance. Review status: criteria provided, multiple submitters, no conflicts (2 of 4 stars). 2 submissions from 2 submitters: Uncertain significance (2). Last evaluated 2025-10-06.

Allele frequency attached by ClinVar (database versions not stated): TOPMed 0.00002; ExAC 0.00003; gnomAD exomes 0.00003.
gnomAD v4.1: 9 of 1,599,044 alleles (0.00056%); highest among the groups gnomAD compares: Admixed American, 0.016%; no homozygotes.

Submissions (2):

Labcorp Genetics (formerly Invitae), Labcorp
Classification: Uncertain significance. Last evaluated: 2025-10-06. Review status: criteria provided, single submitter. Criteria: Invitae Variant Classification Sherloc (09022015). Collection method: clinical testing. Allele origin: germline.
Comment: This sequence change replaces leucine, which is neutral and non-polar, with serine, which is neutral and polar, at codon 402 of the SRP72 protein (p.Leu402Ser). This variant is present in population databases (rs749575729, gnomAD 0.02%). This variant has not been reported in the literature in individuals affected with SRP72-related conditions. ClinVar contains an entry for this variant (Variation ID: 1521238). Invitae Evidence Modeling of protein sequence and biophysical properties (such as structural, functional, and spatial information, amino acid conservation, physicochemical variation, residue mobility, and thermodynamic stability) indicates that this missense variant is not expected to disrupt SRP72 protein function with a negative predictive value of 80%. In summary, the available evidence is currently insufficient to determine the role of this variant in disease. Therefore, it has been classified as a Variant of Uncertain Significance.

Ambry Genetics
Classification: Uncertain significance. Last evaluated: 2024-11-25. Review status: criteria provided, single submitter. Criteria: Ambry Variant Classification Scheme 2023. Collection method: clinical testing. Allele origin: germline.
Comment: The p.L402S variant (also known as c.1205T>C), located in coding exon 12 of the SRP72 gene, results from a T to C substitution at nucleotide position 1205. The leucine at codon 402 is replaced by serine, an amino acid with dissimilar properties. This amino acid position is conserved. In addition, this alteration is predicted to be tolerated by in silico analysis. Based on the available evidence, the clinical significance of this variant remains unclear.

NM_006947.4(SRP72):c.1205T>C (p.Leu402Ser)

Gene: SRP72 (signal recognition particle 72; plus strand). Cytogenetic location: 4q12.
Variant type: single nucleotide variant.
Coding change: c.1205T>C on transcript NM_006947.4 (MANE Select); coding-DNA position 1205, T replaced by C.
Protein change: p.Leu402Ser; replaces leucine 402 with serine.
Molecular consequence: missense variant. On other transcripts: non-coding transcript variant (1).
Genome position (GRCh38, 1-based): chr4:56,487,994, T>C. VCF-style: chr4-56487994-T-C. GRCh37 (hg19) VCF-style: chr4-57354160-T-C.
Other names: c.1022T>C, p.Leu341Ser (NM_001267722.2); c.1205T>C (NM_006947.3); short protein forms L402S, L341S.
Identifiers: ClinVar variation 1521238 (VCV001521238.9), dbSNP rs749575729, ClinGen allele CA2931302.
Genomic context (GRCh38, chr4:56,487,994, plus strand): 5'-GTTTATTCTCCTAAGGTAATATTTCTAAAGCATGTCTAATATTGAGAAGCATAGAGGAGT[T>C]AAAGCATAAACCAGGCATGGTGAGTTTTAAAAATTACAAAATTGAAAAGTAGTTGAATTG-3'
Protein context (NP_008878.3, residues 392-412): ACLILRSIEE[Leu402Ser]KHKPGMVSAL